The following is an entry in ClinVar:

ClinVar aggregate classification (germline): Benign. Review status: criteria provided, multiple submitters, no conflicts (2 of 4 stars). 2 submissions from 2 submitters: Benign (2). Last evaluated 2018-06-19.

Allele frequency attached by ClinVar (database versions not stated): gnomAD exomes 0.28089; gnomAD 0.34085 and 0.34566; TOPMed 0.34688; 1000 Genomes Project 30x 0.40350; 1000 Genomes Project 0.40715.
gnomAD v4.1: 329,623 of 1,135,488 alleles (29%); highest among the groups gnomAD compares: East Asian, 63%; 59,431 homozygotes.

Submissions (2):

GeneDx
Classification: Benign. Last evaluated: 2018-06-19. Review status: criteria provided, single submitter. Criteria: GeneDx Variant Classification (06012015). Collection method: clinical testing. Allele origin: germline. Affected: yes.
Comment: This variant is considered likely benign or benign based on one or more of the following criteria: it is a conservative change, it occurs at a poorly conserved position in the protein, it is predicted to be benign by multiple in silico algorithms, and/or has population frequency not consistent with disease.

Breakthrough Genomics
Classification: Benign. Review status: criteria provided, single submitter. Criteria: ACMG Guidelines, 2015. Collection method: not provided. Allele origin: germline. Inheritance: Autosomal recessive inheritance. Affected: yes.

NM_000512.5(GALNS):c.633+91T>C

Gene: GALNS (galactosamine (N-acetyl)-6-sulfatase; minus strand). Cytogenetic location: 16q24.3.
Variant type: single nucleotide variant.
Coding change: c.633+91T>C on transcript NM_000512.5 (MANE Select); 91 bases into the intron after coding-DNA position 633, T replaced by C.
Molecular consequence: intron variant.
Genome position (GRCh38, 1-based): chr16:88,836,110, A>G on the plus strand (T>C on the coding strand, the complement: GALNS is on the minus strand). VCF-style: chr16-88836110-A-G. GRCh37 (hg19) VCF-style: chr16-88902518-A-G.
Other names: c.78+91T>C (NM_001323543.2); c.651+91T>C (NM_001323544.2).
Identifiers: ClinVar variation 684014 (VCV000684014.2), dbSNP rs2269333, ClinGen allele CA14321822.
Genomic context (GRCh38, chr16:88,836,110, plus strand): 5'-CCACGGGGCGAGGGTGATGAGGTCCCTGAACCCATGCCTCCCACGGGGTGAGGTTGATGC[A>G]TTCCTGTCCCCACGCCTCCCACAGGATGAGGTTGGTGCGGTCCCCGTCCCCATGCGTCCC-3'